The following is an entry in ClinVar:

NM_014244.5(ADAMTS2):c.3028G>A (p.Gly1010Ser)

Gene: ADAMTS2 (ADAM metallopeptidase with thrombospondin type 1 motif 2; minus strand). Cytogenetic location: 5q35.3.
Variant type: single nucleotide variant.
Coding change: c.3028G>A on transcript NM_014244.5 (MANE Select); coding-DNA position 3028, G replaced by A.
Protein change: p.Gly1010Ser; replaces glycine 1010 with serine.
Molecular consequence: missense variant.
Genome position (GRCh38, 1-based): chr5:179,122,704, C>T on the plus strand (G>A on the coding strand, the complement: ADAMTS2 is on the minus strand). VCF-style: chr5-179122704-C-T. GRCh37 (hg19) VCF-style: chr5-178549705-C-T.
Other names: short protein forms G1010S.
Identifiers: ClinVar variation 1162984 (VCV001162984.8), dbSNP rs368690576, ClinGen allele CA3595325.
Genomic context (GRCh38, chr5:179,122,704, plus strand): 5'-GGGGACAGGGGCCAAGCCTGCAGGTCCTCGCTGTCTCAGGACGCTCCTCCTGGCAGATGC[C>T]GAAGCTGTCGTCCGCGGTGCGGCAGAGCACTGGCCGCTCCTGGGTGCCGTTGCCACAGGT-3'
Protein context (NP_055059.2, residues 1000-1020): VLCRTADDSF[Gly1010Ser]ICQEERPETA

ClinVar aggregate classification (germline): Uncertain significance. Review status: criteria provided, multiple submitters, no conflicts (2 of 4 stars). 4 submissions from 4 submitters: Uncertain significance (4). Last evaluated 2022-07-29.

Conditions:
Ehlers-Danlos syndrome, dermatosparaxis type. Also called: Dermatosparaxis; EDS VIIC; Ehlers-Danlos syndrome, type VII, autosomal recessive. Identifiers: Orphanet 1901, MedGen C2700425, MONDO:0009161, OMIM 225410.

Allele frequency attached by ClinVar (database versions not stated): gnomAD exomes 0.00002 and 0.00004; ExAC 0.00005; gnomAD 0.00015; TOPMed 0.00018; 1000 Genomes Project 0.00020; 1000 Genomes Project 30x 0.00031.
gnomAD v4.1: 54 of 1,551,770 alleles (0.0035%); highest among the groups gnomAD compares: Admixed American, 0.041%; no homozygotes.

Submissions (4):

Labcorp Genetics (formerly Invitae), Labcorp
Classification: Uncertain significance for Ehlers-Danlos syndrome, dermatosparaxis type. Last evaluated: 2022-07-29. Review status: criteria provided, single submitter. Criteria: Invitae Variant Classification Sherloc (09022015). Collection method: clinical testing. Allele origin: germline.
Comment: This sequence change replaces glycine, which is neutral and non-polar, with serine, which is neutral and polar, at codon 1010 of the ADAMTS2 protein (p.Gly1010Ser). This variant is present in population databases (rs368690576, gnomAD 0.02%). This variant has not been reported in the literature in individuals affected with ADAMTS2-related conditions. ClinVar contains an entry for this variant (Variation ID: 1162984). Algorithms developed to predict the effect of missense changes on protein structure and function (SIFT, PolyPhen-2, Align-GVGD) all suggest that this variant is likely to be disruptive. In summary, the available evidence is currently insufficient to determine the role of this variant in disease. Therefore, it has been classified as a Variant of Uncertain Significance.

Department of Pathology and Laboratory Medicine, Sinai Health System
Classification: Uncertain significance for Ehlers-Danlos syndrome, dermatosparaxis type. Last evaluated: 2021-07-30. Review status: criteria provided, single submitter. Criteria: ACMG Guidelines, 2015. Collection method: research. Allele origin: germline.

Fulgent Genetics
Classification: Uncertain significance for Ehlers-Danlos syndrome, dermatosparaxis type. Last evaluated: 2021-07-28. Review status: criteria provided, single submitter. Criteria: ACMG Guidelines, 2015. Collection method: clinical testing. Allele origin: unknown.

Mayo Clinic Laboratories, Mayo Clinic
Classification: Uncertain significance. Last evaluated: 2021-01-26. Review status: criteria provided, single submitter. Criteria: ACMG Guidelines, 2015. Collection method: clinical testing. Allele origin: germline. Observed: 1 variant allele.